The following is an entry in ClinVar:

ClinVar aggregate classification (germline): Uncertain significance. Review status: criteria provided, multiple submitters, no conflicts (2 of 4 stars). 2 submissions from 2 submitters: Uncertain significance (2). Last evaluated 2023-09-17.

Conditions:
Tuberous sclerosis 1 (TSC1). Identifiers: Orphanet 805, MedGen C1854465, MONDO:0008612, OMIM 191100.
Hereditary cancer-predisposing syndrome. Also called: Tumor predisposition; Hereditary neoplastic syndrome; Neoplastic Syndromes, Hereditary; Hereditary Cancer Syndrome. Identifiers: Orphanet 140162, MedGen C0027672, MeSH D009386, MONDO:0015356.

Submissions (2):

Ambry Genetics
Classification: Uncertain significance for Hereditary cancer-predisposing syndrome. Last evaluated: 2023-09-17. Review status: criteria provided, single submitter. Criteria: Ambry Variant Classification Scheme 2023. Collection method: clinical testing. Allele origin: germline.
Comment: The p.G1034V variant (also known as c.3101G>T), located in coding exon 21 of the TSC1 gene, results from a G to T substitution at nucleotide position 3101. The glycine at codon 1034 is replaced by valine, an amino acid with dissimilar properties. This amino acid position is conserved. In addition, this alteration is predicted to be tolerated by in silico analysis. Since supporting evidence is limited at this time, the clinical significance of this alteration remains unclear.

Labcorp Genetics (formerly Invitae), Labcorp
Classification: Uncertain significance for Tuberous sclerosis 1. Last evaluated: 2021-03-29. Review status: criteria provided, single submitter. Criteria: Invitae Variant Classification Sherloc (09022015). Collection method: clinical testing. Allele origin: germline.
Comment: This sequence change replaces glycine with valine at codon 1034 of the TSC1 protein (p.Gly1034Val). The glycine residue is weakly conserved and there is a moderate physicochemical difference between glycine and valine. In summary, the available evidence is currently insufficient to determine the role of this variant in disease. Therefore, it has been classified as a Variant of Uncertain Significance. Algorithms developed to predict the effect of missense changes on protein structure and function output the following: SIFT: "Tolerated"; PolyPhen-2: "Benign"; Align-GVGD: "Class C0". The valine amino acid residue is found in multiple mammalian species, suggesting that this missense change does not adversely affect protein function. These predictions have not been confirmed by published functional studies and their clinical significance is uncertain. This variant has not been reported in the literature in individuals with TSC1-related conditions. This variant is not present in population databases (ExAC no frequency).

NM_000368.5(TSC1):c.3101G>T (p.Gly1034Val)

Gene: TSC1 (TSC complex subunit 1; minus strand). Cytogenetic location: 9q34.13.
Variant type: single nucleotide variant.
Coding change: c.3101G>T on transcript NM_000368.5 (MANE Select); coding-DNA position 3101, G replaced by T.
Protein change: p.Gly1034Val; replaces glycine 1034 with valine.
Molecular consequence: missense variant.
Genome position (GRCh38, 1-based): chr9:132,896,629, C>A on the plus strand (G>T on the coding strand, the complement: TSC1 is on the minus strand). VCF-style: chr9-132896629-C-A. GRCh37 (hg19) VCF-style: chr9-135772016-C-A.
Other names: c.3098G>T, p.Gly1033Val (NM_001162426.2); c.2948G>T, p.Gly983Val (NM_001162427.2); c.2738G>T, p.Gly913Val (NM_001362177.2); c.3101G>T (NM_000368.4); short protein forms G983V, G1033V, G1034V, G913V.
Identifiers: ClinVar variation 1521206 (VCV001521206.9), dbSNP rs1034398735, ClinGen allele CA375367437.